The following is an entry in ClinVar:

NM_001041.4(SI):c.1564G>A (p.Val522Ile)

Gene: SI (sucrase-isomaltase; minus strand). Cytogenetic location: 3q26.1.
Variant type: single nucleotide variant.
Coding change: c.1564G>A on transcript NM_001041.4 (MANE Select); coding-DNA position 1564, G replaced by A.
Protein change: p.Val522Ile; replaces valine 522 with isoleucine.
Molecular consequence: missense variant.
Genome position (GRCh38, 1-based): chr3:165,049,824, C>T on the plus strand (G>A on the coding strand, the complement: SI is on the minus strand). VCF-style: chr3-165049824-C-T. GRCh37 (hg19) VCF-style: chr3-164767612-C-T.
Other names: short protein forms V522I.
Identifiers: ClinVar variation 1506832 (VCV001506832.5), dbSNP rs1015086459, ClinGen allele CA86546767.
Genomic context (GRCh38, chr3:165,049,824, plus strand): 5'-GTAATTAGATAACCAAATAAATTTTACCAGGAGTAAACGGTGGATAATTCAATTTGTTTA[C>T]ATTACATCCTTTTGTTGAACCTTGAATAAAGCTGGAAACTTCATTCATGTCCTGAATGGA-3'
Protein context (NP_001032.2, residues 512-532): FIQGSTKGCN[Val522Ile]NKLNYPPFTP

ClinVar aggregate classification (germline): Uncertain significance (1 of 4 stars; one submission).

Allele frequency attached by ClinVar (database versions not stated): gnomAD exomes below 0.00001; gnomAD 0.00001; TOPMed 0.00003.
gnomAD v4.1: 6 of 1,607,664 alleles (0.00037%); highest among the groups gnomAD compares: African/African-American, 0.004%; no homozygotes.

Submission:

Labcorp Genetics (formerly Invitae), Labcorp
Classification: Uncertain significance. Last evaluated: 2022-02-03. Review status: criteria provided, single submitter. Criteria: Invitae Variant Classification Sherloc (09022015). Collection method: clinical testing. Allele origin: germline.
Comment: This sequence change replaces valine, which is neutral and non-polar, with isoleucine, which is neutral and non-polar, at codon 522 of the SI protein (p.Val522Ile). This variant is present in population databases (no rsID available, gnomAD 0.01%). This variant has not been reported in the literature in individuals affected with SI-related conditions. Advanced modeling of protein sequence and biophysical properties (such as structural, functional, and spatial information, amino acid conservation, physicochemical variation, residue mobility, and thermodynamic stability) performed at Invitae indicates that this missense variant is not expected to disrupt SI protein function. In summary, the available evidence is currently insufficient to determine the role of this variant in disease. Therefore, it has been classified as a Variant of Uncertain Significance.